The following is an entry in ClinVar:

NM_001040142.2(SCN2A):c.3229G>T (p.Gly1077Cys)

Gene: SCN2A (sodium voltage-gated channel alpha subunit 2; plus strand). Cytogenetic location: 2q24.3.
Variant type: single nucleotide variant.
Coding change: c.3229G>T on transcript NM_001040142.2 (MANE Select); coding-DNA position 3229, G replaced by T.
Protein change: p.Gly1077Cys; replaces glycine 1077 with cysteine.
Molecular consequence: missense variant.
Genome position (GRCh38, 1-based): chr2:165,354,501, G>T. VCF-style: chr2-165354501-G-T. GRCh37 (hg19) VCF-style: chr2-166211011-G-T.
Other names: c.3229G>T, p.Gly1077Cys (NM_001040143.2, NM_001371246.1, NM_001371247.1 and 1 more transcripts); short protein forms G1077C.
Identifiers: ClinVar variation 3753664 (VCV003753664.2).
Genomic context (GRCh38, chr2:165,354,501, plus strand): 5'-ACCACCATAGAAATAGGCAAAGACCTCAATTATCTCAAAGACGGAAATGGAACTACTAGT[G>T]GCATAGGCAGCAGTGTAGAAAAATATGTCGTGGATGAAAGTGATTACATGTCATTTATAA-3'
Protein context (NP_001035232.1, residues 1067-1087): YLKDGNGTTS[Gly1077Cys]IGSSVEKYVV

ClinVar aggregate classification (germline): Uncertain significance (1 of 4 stars; one submission).

Conditions:
Developmental and epileptic encephalopathy, 11 (DEE11). Also called: Early infantile epileptic encephalopathy 11. Identifiers: Orphanet 1934, MedGen C3150987, MONDO:0013388, OMIM 613721.
Seizures, benign familial infantile, 3 (BFIS3). Also called: CONVULSIONS, BENIGN FAMILIAL INFANTILE, 3; Familial neonatal seizures. Identifiers: Orphanet 140927, Orphanet 306, MedGen C1843140, MONDO:0011904, OMIM 607745.

Submission:

Labcorp Genetics (formerly Invitae), Labcorp
Classification: Uncertain significance for Seizures, benign familial infantile, 3; Developmental and epileptic encephalopathy, 11. Last evaluated: 2024-04-18. Review status: criteria provided, single submitter. Criteria: Invitae Variant Classification Sherloc (09022015). Collection method: clinical testing. Allele origin: germline.
Comment: This sequence change replaces glycine, which is neutral and non-polar, with cysteine, which is neutral and slightly polar, at codon 1077 of the SCN2A protein (p.Gly1077Cys). This variant is not present in population databases (gnomAD no frequency). This variant has not been reported in the literature in individuals affected with SCN2A-related conditions. Advanced modeling of protein sequence and biophysical properties (such as structural, functional, and spatial information, amino acid conservation, physicochemical variation, residue mobility, and thermodynamic stability) has been performed at Invitae for this missense variant, however the output from this modeling did not meet the statistical confidence thresholds required to predict the impact of this variant on SCN2A protein function. In summary, the available evidence is currently insufficient to determine the role of this variant in disease. Therefore, it has been classified as a Variant of Uncertain Significance.